The following is an entry in ClinVar:

ClinVar aggregate classification (germline): Likely pathogenic (1 of 4 stars; one submission).

Conditions:
Cardiovascular phenotype. Identifiers: MedGen CN230736.
Hereditary cancer-predisposing syndrome. Also called: Neoplastic Syndromes, Hereditary; Tumor predisposition; Hereditary Cancer Syndrome; Hereditary neoplastic syndrome. Identifiers: Orphanet 140162, MedGen C0027672, MeSH D009386, MONDO:0015356.

Submission:

Ambry Genetics
Classification: Likely pathogenic for Cardiovascular phenotype; Hereditary cancer-predisposing syndrome. Last evaluated: 2026-03-16. Review status: criteria provided, single submitter. Criteria: Ambry Variant Classification Scheme 2023. Collection method: clinical testing. Allele origin: germline.
Comment: The c.5606_5607INSL1 likely pathogenic variant results from the insertion of an L1 element between nucleotides 5606 and 5607 in coding exon 38 of the NF1 gene. Mobile element insertions contribute to pathogenicity by either disrupting the coding sequence or inducing aberrant splicing (Belancio VP et al. Semin. Cancer Biol. 2010 Aug;20:200-10; Deininger P et al. Genome Biol. 2011 Dec;12:236; van der Klift HM Hum Mutat. 2012 Jul;33(7):1051-5). Based on the majority of available evidence to date, this variant is likely to be pathogenic.

NM_000267.3:c.5606_5607insL1

Gene: NF1 (neurofibromin 1; plus strand).
Variant type: Insertion.
Identifiers: ClinVar variation 4860863 (VCV004860863.1).